The following is an entry in ClinVar:

ClinVar aggregate classification (germline): Conflicting classifications of pathogenicity. Review status: criteria provided, conflicting classifications (1 of 4 stars). 6 submissions from 6 submitters: Uncertain significance (1); Likely benign (5). Last evaluated 2025-11-25.

Conditions:
Cardiovascular phenotype. Identifiers: MedGen CN230736.
Cardiomyopathy (CMYO). Also called: Cardiomyopathies. Identifiers: Orphanet 167848, MedGen C0878544, MONDO:0004994, HP:0001638. Inheritance: Various modes of inheritance.
Arrhythmogenic right ventricular cardiomyopathy (ARVD). Also called: Cardiomyopathy, ARVC; Arrhythmogenic right ventricular dysplasia; Arrhythmogenic cardiomyopathy; Arrhythmogenic Right Ventricular Cardiomyopathy (ARVC). Identifiers: Orphanet 247, MedGen C0349788, MeSH D019571, MONDO:0016587. Disease mechanism: loss of function. Inheritance: Various modes of inheritance.
Arrhythmogenic right ventricular dysplasia 10. Also called: Arrhythmogenic Right Ventricular Dysplasia/Cardiomyopathy10; Arrhythmogenic right ventricular dysplasia/cardiomyopathy, type 10; ARRHYTHMOGENIC RIGHT VENTRICULAR DYSPLASIA, FAMILIAL, 10. Identifiers: MedGen C1857777, MONDO:0012434, OMIM 610193.

Allele frequency attached by ClinVar (database versions not stated): TOPMed 0.00002; gnomAD 0.00003; ExAC 0.00006; gnomAD exomes 0.00009; 1000 Genomes Project 30x 0.00016.
gnomAD v4.1: 50 of 1,614,186 alleles (0.0031%); highest among the groups gnomAD compares: East Asian, 0.1%; no homozygotes.

Submissions (6):

Labcorp Genetics (formerly Invitae), Labcorp
Classification: Likely benign for Arrhythmogenic right ventricular dysplasia 10. Last evaluated: 2025-11-25. Review status: criteria provided, single submitter. Criteria: Invitae Variant Classification Sherloc (09022015). Collection method: clinical testing. Allele origin: germline.

Blueprint Genetics
Classification: Likely benign. Last evaluated: 2023-06-12. Review status: criteria provided, single submitter. Criteria: ACMG Guidelines, 2015. Collection method: clinical testing. Allele origin: germline.

Laboratory for Molecular Medicine, Mass General Brigham Personalized Medicine
Classification: Likely benign. Last evaluated: 2022-02-16. Review status: criteria provided, single submitter. Criteria: ACMG Guidelines, 2015. Collection method: clinical testing. Allele origin: germline.
Comment: The p.Thr236Ala variant in DSG2 is classified as likely benign because it has been identified in 0.1% (26/19526) of East Asian chromosomes by gnomAD. In addition, computational prediction tools and conservation analyses predict that this variant does not impact the protein. ACMG/AMP Criteria applied: BS1, BP4.

Ambry Genetics
Classification: Likely benign for Cardiovascular phenotype. Last evaluated: 2021-06-14. Review status: criteria provided, single submitter. Criteria: Ambry Variant Classification Scheme 2023. Collection method: clinical testing. Allele origin: germline.

Color Diagnostics, LLC DBA Color Health
Classification: Likely benign for Cardiomyopathy. Last evaluated: 2020-02-05. Review status: criteria provided, single submitter. Criteria: ACMG Guidelines, 2015. Collection method: clinical testing. Allele origin: germline.

CSER _CC_NCGL, University of Washington
Classification: Uncertain significance for Arrhythmogenic right ventricular dysplasia. Last evaluated: 2016-10-01. Review status: criteria provided, single submitter. Criteria: Amendola et al. (Genome Res. 2015). Collection method: research. Allele origin: germline. Affected: no. Study: CSER - NEXT Medicine variant annotation.
Comment: This interpretation considers GERP score and allele frequency data, in addition to published reports of the variant in the literature, available at the time of review.

Literature cited by the submitters: PubMed 28323875 (cited by Ambry Genetics); PubMed 31983221 (cited by Ambry Genetics).

NM_001943.5(DSG2):c.706A>G (p.Thr236Ala)

Gene: DSG2 (desmoglein 2; plus strand). Cytogenetic location: 18q12.1.
Variant type: single nucleotide variant.
Coding change: c.706A>G on transcript NM_001943.5 (MANE Select); coding-DNA position 706, A replaced by G.
Protein change: p.Thr236Ala; replaces threonine 236 with alanine.
Molecular consequence: missense variant.
Genome position (GRCh38, 1-based): chr18:31,524,463, A>G. VCF-style: chr18-31524463-A-G. GRCh37 (hg19) VCF-style: chr18-29104426-A-G.
Other names: short protein forms T236A.
Identifiers: ClinVar variation 163203 (VCV000163203.25), dbSNP rs727502985, ClinGen allele CA022239.
Genomic context (GRCh38, chr18:31,524,463, plus strand): 5'-GAGTGACTCTTTTCACCCAGCTGGACATTTTTCATTGCTCTGCAGGAACACAGCAGCTAC[A>G]CTTTGACAGTAGAAGCAAGAGATGGCAATGGAGAAGTTACAGACAAACCTGTAAAACAAG-3'
Protein context (NP_001934.2, residues 226-246): TLDREEHSSY[Thr236Ala]LTVEARDGNG